The following is an entry in ClinVar:

ClinVar aggregate classification (germline): Uncertain significance (1 of 4 stars; one submission).

Conditions:
Peroxisome biogenesis disorder 11A (Zellweger). Also called: Peroxisome biogenesis disorder 11A. Identifiers: Orphanet 912, MedGen C3554000, MONDO:0013949, OMIM 614883.

Allele frequency attached by ClinVar (database versions not stated): gnomAD exomes below 0.00001.
gnomAD v4.1: 1 of 1,613,554 alleles (0.000062%); highest among the groups gnomAD compares: South Asian, 0.0011%; no homozygotes.

Submission:

Labcorp Genetics (formerly Invitae), Labcorp
Classification: Uncertain significance for Peroxisome biogenesis disorder 11A (Zellweger). Last evaluated: 2023-08-24. Review status: criteria provided, single submitter. Criteria: Invitae Variant Classification Sherloc (09022015). Collection method: clinical testing. Allele origin: germline.
Comment: In summary, the available evidence is currently insufficient to determine the role of this variant in disease. Therefore, it has been classified as a Variant of Uncertain Significance. Advanced modeling of protein sequence and biophysical properties (such as structural, functional, and spatial information, amino acid conservation, physicochemical variation, residue mobility, and thermodynamic stability) performed at Invitae indicates that this missense variant is expected to disrupt PEX13 protein function. ClinVar contains an entry for this variant (Variation ID: 1390192). This variant has not been reported in the literature in individuals affected with PEX13-related conditions. This variant is not present in population databases (gnomAD no frequency). This sequence change replaces arginine, which is basic and polar, with glycine, which is neutral and non-polar, at codon 159 of the PEX13 protein (p.Arg159Gly).

NM_002618.4(PEX13):c.475A>G (p.Arg159Gly)

Gene: PEX13 (peroxisomal biogenesis factor 13; plus strand). Cytogenetic location: 2p15.
Variant type: single nucleotide variant.
Coding change: c.475A>G on transcript NM_002618.4 (MANE Select); coding-DNA position 475, A replaced by G.
Protein change: p.Arg159Gly; replaces arginine 159 with glycine.
Molecular consequence: missense variant.
Genome position (GRCh38, 1-based): chr2:61,031,801, A>G. VCF-style: chr2-61031801-A-G. GRCh37 (hg19) VCF-style: chr2-61258936-A-G.
Other names: short protein forms R159G.
Identifiers: ClinVar variation 1390192 (VCV001390192.6), dbSNP rs2104803471, ClinGen allele CA346942915.